The following is an entry in ClinVar:

NM_000059.4(BRCA2):c.6703_6704del (p.Met2235fs)

Gene: BRCA2 (BRCA2 DNA repair associated; plus strand). Cytogenetic location: 13q13.1.
Variant type: Deletion.
Coding change: c.6703_6704del on transcript NM_000059.4 (MANE Select); coding-DNA positions 6703 to 6704, 2 bases deleted (AT; older notation c.6703_6704delAT).
Protein change: p.Met2235fs; shifts the reading frame from methionine 2235.
Molecular consequence: frameshift variant.
Genome position (GRCh38, 1-based): chr13:32,341,058-32,341,059, AT deleted; deleting any 2 consecutive bases within chr13:32,341,057-32,341,059 gives the same sequence; the c. name uses the placement nearest the transcript's 3' end. VCF-style (leftmost placement, unchanged base first): chr13-32341056-TTA-T. GRCh37 (hg19) VCF-style: chr13-32915193-TTA-T.
Other names: c.6703_6704delAT (NM_000059.3); short protein forms M2235fs.
Identifiers: ClinVar variation 142717 (VCV000142717.14), dbSNP rs587782667, ClinGen allele CA024310.
Genomic context (GRCh38, chr13:32,341,056, plus strand): 5'-CTTACTCCAAAGATTCAGAAAACTACTTTGAAACAGAAGCAGTAGAAATTGCTAAAGCTT[TTA>T]TGGAAGATGATGAACTGACAGATTCTAAACTGCCAAGTCATGCCACACATTCTCTTTTTA-3'

ClinVar aggregate classification (germline): Pathogenic. Review status: reviewed by expert panel (3 of 4 stars). 3 submissions from 3 submitters: Pathogenic (1). 2 of the submissions do not count toward it. Last evaluated 2016-09-08.

Conditions:
Hereditary cancer-predisposing syndrome. Also called: Neoplastic Syndromes, Hereditary; Hereditary Cancer Syndrome; Hereditary neoplastic syndrome; Tumor predisposition. Identifiers: Orphanet 140162, MedGen C0027672, MeSH D009386, MONDO:0015356.
Hereditary breast ovarian cancer syndrome. Also called: Hereditary breast and ovarian cancer syndrome; Hereditary breast and/or ovarian cancer syndrome; BRCA1- and BRCA2-Associated Hereditary Breast and Ovarian Cancer; Hereditary breast and ovarian cancer; Breast and ovarian cancer; Hereditary breast and ovarian cancer syndrome (HBOC). Identifiers: Orphanet 145, MedGen C0677776, MeSH D061325, MONDO:0003582. Disease mechanism: loss of function.
Breast-ovarian cancer, familial, susceptibility to, 2 (BROVCA2). Also called: BRCA2 Hereditary Breast and Ovarian Cancer. Identifiers: Orphanet 145, MedGen C2675520, MONDO:0012933, OMIM 612555. Disease mechanism: loss of function.

Submissions (3):

Evidence-based Network for the Interpretation of Germline Mutant Alleles (ENIGMA)
Classification: Pathogenic for Breast-ovarian cancer, familial, susceptibility to, 2. Last evaluated: 2016-09-08. Review status: reviewed by expert panel. Criteria: ENIGMA BRCA1/2 Classification Criteria (2015). Collection method: curation. Allele origin: germline.
Comment: Variant allele predicted to encode a truncated non-functional protein.

Labcorp Genetics (formerly Invitae), Labcorp
Classification: Pathogenic for Hereditary breast ovarian cancer syndrome. Last evaluated: 2024-04-22. Review status: criteria provided, single submitter. Criteria: Invitae Variant Classification Sherloc (09022015). Collection method: clinical testing. Allele origin: germline. Not counted in ClinVar's aggregate classification.
Comment: This sequence change creates a premature translational stop signal (p.Met2235Glyfs*3) in the BRCA2 gene. It is expected to result in an absent or disrupted protein product. Loss-of-function variants in BRCA2 are known to be pathogenic (PMID: 20104584). This variant is not present in population databases (gnomAD no frequency). This variant has not been reported in the literature in individuals affected with BRCA2-related conditions. ClinVar contains an entry for this variant (Variation ID: 142717). For these reasons, this variant has been classified as Pathogenic.

Ambry Genetics
Classification: Pathogenic for Hereditary cancer-predisposing syndrome. Last evaluated: 2018-05-30. Review status: criteria provided, single submitter. Criteria: Ambry Variant Classification Scheme 2023. Collection method: clinical testing. Allele origin: germline. Not counted in ClinVar's aggregate classification.
Comment: The c.6703_6704delAT pathogenic mutation, located in coding exon 10 of the BRCA2 gene, results from a deletion of two nucleotides at nucleotide positions 6703 to 6704, causing a translational frameshift with a predicted alternate stop codon (p.M2235Gfs*3). This alteration is expected to result in loss of function by premature protein truncation or nonsense-mediated mRNA decay. As such, this alteration is interpreted as a disease-causing mutation.

Literature cited by the submitters: PubMed 20104584 (cited by Labcorp Genetics (formerly Invitae), Labcorp).